The following is an entry in ClinVar:

ClinVar aggregate classification (germline): Conflicting classifications of pathogenicity. Review status: criteria provided, conflicting classifications (1 of 4 stars). 9 submissions from 9 submitters: Uncertain significance (7); Likely benign (1). 1 of the submissions does not count toward it. Last evaluated 2025-09-14.

Conditions:
Desmoid disease, hereditary (DESMD). Also called: FIBROMATOSIS, FAMILIAL INFILTRATIVE. Identifiers: Orphanet 873, MedGen C1851124, OMIM 135290. Disease mechanism: loss of function.
Gastric cancer. Also called: Stomach cancer; Malignant tumor of stomach. Identifiers: MedGen C0024623, MeSH D013274, MONDO:0001056, OMIM 613659, HP:0012126.
Familial adenomatous polyposis 1 (FAP1). Also called: POLYPOSIS, ADENOMATOUS INTESTINAL; FAMILIAL ADENOMATOUS POLYPOSIS 1, ATTENUATED. Identifiers: MedGen C2713442, MONDO:0021056, OMIM 175100. Disease mechanism: loss of function.
Gastric adenocarcinoma and proximal polyposis of the stomach (GAPPS). Also called: Polyposis, gastric, Dos Santos and de Magalhaes 1980; POLYPOSIS, GASTRIC; Gastric Adenocarcinoma and Proximal Polyposis of the Stomach (GAPPS). Identifiers: Orphanet 314022, MedGen C4749917, MONDO:0017790, OMIM 619182.
Hepatocellular carcinoma (HCC). Also called: Primary carcinoma of liver; HEPATOMA; LIVER CELL CARCINOMA. Identifiers: Orphanet 88673, MedGen C2239176, MONDO:0007256, OMIM 114550, HP:0001402.
Colorectal cancer. Also called: Colorectal cancer, somatic; Malignant Colorectal Neoplasm. Identifiers: MedGen C0346629, MONDO:0005575, OMIM 114500.
Hereditary cancer-predisposing syndrome. Also called: Neoplastic Syndromes, Hereditary; Hereditary neoplastic syndrome; Hereditary Cancer Syndrome; Tumor predisposition. Identifiers: Orphanet 140162, MedGen C0027672, MeSH D009386, MONDO:0015356.
Classic or attenuated familial adenomatous polyposis. Identifiers: MedGen CN372698, MONDO:0021057.

Allele frequency attached by ClinVar (database versions not stated): gnomAD exomes below 0.00001; ExAC 0.00001; gnomAD 0.00001; TOPMed 0.00001.
gnomAD v4.1: 11 of 1,612,538 alleles (0.00068%); highest among the groups gnomAD compares: East Asian, 0.025%; 1 homozygote.

Submissions (9):

Labcorp Genetics (formerly Invitae), Labcorp
Classification: Uncertain significance for Familial adenomatous polyposis 1. Last evaluated: 2025-09-14. Review status: criteria provided, single submitter. Criteria: Invitae Variant Classification Sherloc (09022015). Collection method: clinical testing. Allele origin: germline.
Comment: This sequence change replaces alanine, which is neutral and non-polar, with glycine, which is neutral and non-polar, at codon 1793 of the APC protein (p.Ala1793Gly). This variant is present in population databases (rs764203580, gnomAD 0.006%). This variant has not been reported in the literature in individuals affected with APC-related conditions. ClinVar contains an entry for this variant (Variation ID: 233560). Invitae Evidence Modeling of protein sequence and biophysical properties (such as structural, functional, and spatial information, amino acid conservation, physicochemical variation, residue mobility, and thermodynamic stability) indicates that this missense variant is not expected to disrupt APC protein function with a negative predictive value of 95%. In summary, the available evidence is currently insufficient to determine the role of this variant in disease. Therefore, it has been classified as a Variant of Uncertain Significance.

Ambry Genetics
Classification: Uncertain significance for Hereditary cancer-predisposing syndrome. Last evaluated: 2025-06-25. Review status: criteria provided, single submitter. Criteria: Ambry Variant Classification Scheme 2023. Collection method: clinical testing. Allele origin: germline.
Comment: The p.A1793G variant (also known as c.5378C>G), located in coding exon 15 of the APC gene, results from a C to G substitution at nucleotide position 5378. The alanine at codon 1793 is replaced by glycine, an amino acid with similar properties. This amino acid position is poorly conserved in available vertebrate species. In addition, in silico predictors for this gene do not accurately predict pathogenicity. Missense alterations in APC are not a common cause of disease (Spier I et al. Genet Med. 2024 Feb;26(2):100992). Based on the available evidence, the clinical significance of this variant remains unclear.

Women's Health and Genetics/Laboratory Corporation of America, LabCorp
Classification: Likely benign. Last evaluated: 2025-03-25. Review status: criteria provided, single submitter. Criteria: LabCorp Variant Classification Summary - May 2015. Collection method: clinical testing. Allele origin: germline.
Comment: Variant summary: APC c.5378C>G (p.Ala1793Gly) results in a non-conservative amino acid change in the encoded protein sequence. Four of five in-silico tools predict a benign effect of the variant on protein function. The variant allele was found at a frequency of 6.8e-06 in 1612538 control chromosomes, predominantly at a frequency of 0.00025 within the East Asian subpopulation in the gnomAD database, including 1 homozygote. The observed variant frequency within East Asian control individuals in the gnomAD database is approximately 3.5 fold of the estimated maximal expected allele frequency for a pathogenic variant in APC causing Familial Adenomatous Polyposis phenotype (7.1e-05). c.5378C>G has been reported in the presumed heterozygous state in the literature in individuals affected with APC-related conditions without strong evidence for causality (example, Kim_2019, Okawa_2023, Park_2022a, Park_2022b). These report(s) do not provide unequivocal conclusions about association of the variant with Familial Adenomatous Polyposis. To our knowledge, no experimental evidence demonstrating an impact on protein function has been reported. The following publications have been ascertained in the context of this evaluation (PMID: 31269945, 36243179, 34897210, 35586626). ClinVar contains an entry for this variant (Variation ID: 233560). Based on the evidence outlined above, the variant was classified as likely benign.

Fulgent Genetics
Classification: Uncertain significance for Colorectal cancer; Hepatocellular carcinoma; Desmoid disease, hereditary; Familial adenomatous polyposis 1; Gastric cancer; Gastric adenocarcinoma and proximal polyposis of the stomach. Last evaluated: 2024-05-04. Review status: criteria provided, single submitter. Criteria: ACMG Guidelines, 2015. Collection method: clinical testing. Allele origin: germline.

All of Us Research Program, National Institutes of Health
Classification: Uncertain significance for Classic or attenuated familial adenomatous polyposis. Last evaluated: 2023-04-03. Review status: criteria provided, single submitter. Criteria: ACMG Guidelines, 2015. Collection method: clinical testing. Allele origin: germline. Inheritance: Autosomal dominant inheritance. Observed: 1 variant allele, 1 heterozygote.
Comment: This missense variant replaces alanine with glycine at codon 1793 of the APC protein. Computational prediction suggests that this variant may not impact protein structure and function (internally defined REVEL score threshold <= 0.5, PMID: 27666373). To our knowledge, functional studies have not been reported for this variant. This variant has not been reported in individuals affected with hereditary cancer in the literature. This variant has been identified in 1/249802 chromosomes in the general population by the Genome Aggregation Database (gnomAD) and in 16 healthy control individuals (PMID: 32980694). The available evidence is insufficient to determine the role of this variant in disease conclusively. Therefore, this variant is classified as a Variant of Uncertain Significance.

This study involves interpretation of variants in research participants for the purpose of population health screening. Participant phenotype was not available at the time of variant classification. Additional details can be found in publication PMID: 35346344, PMCID: PMC8962531

Color Diagnostics, LLC DBA Color Health
Classification: Uncertain significance for Hereditary cancer-predisposing syndrome. Last evaluated: 2023-03-23. Review status: criteria provided, single submitter. Criteria: ACMG Guidelines, 2015. Collection method: clinical testing. Allele origin: germline.
Comment: This missense variant replaces alanine with glycine at codon 1793 of the APC protein. Computational prediction suggests that this variant may not impact protein structure and function (internally defined REVEL score threshold <= 0.5, PMID: 27666373). To our knowledge, functional studies have not been reported for this variant. This variant has been reported in an individual affected with familial adenomatous polyposis (PMID: 34897210). This variant has been identified in 1/249802 chromosomes in the general population by the Genome Aggregation Database (gnomAD). The available evidence is insufficient to determine the role of this variant in disease conclusively. Therefore, this variant is classified as a Variant of Uncertain Significance.

Myriad Genetics, Inc.
Classification: Uncertain significance for Familial adenomatous polyposis 1. Last evaluated: 2023-02-15. Review status: criteria provided, single submitter. Criteria: Myriad Autosomal Dominant, Autosomal Recessive and X-Linked Classification Criteria (2023). Collection method: clinical testing. Allele origin: unknown.
Comment: This variant is classified as a variant of uncertain significance as there is insufficient evidence to determine its impact on protein function and/or cancer risk.

GeneDx
Classification: Uncertain significance. Last evaluated: 2022-08-07. Review status: criteria provided, single submitter. Criteria: GeneDx Variant Classification Process June 2021. Collection method: clinical testing. Allele origin: germline. Affected: yes.
Comment: Not observed at significant frequency in large population cohorts (gnomAD); Observed in individuals with suspected familial adenomatous polyposis (Kim et al., 2019; Park et al., 2022); This variant is associated with the following publications: (PMID: 18199528, 34897210, 31269945)

Counsyl
Classification: Uncertain significance for Familial adenomatous polyposis 1. Last evaluated: 2018-03-13. Review status: no assertion criteria provided. Collection method: clinical testing. Allele origin: unknown. Not counted in ClinVar's aggregate classification.

Literature cited by the submitters: PubMed 31269945 (cited by Women's Health and Genetics/Laboratory Corporation of America, LabCorp); PubMed 34897210 (cited by Women's Health and Genetics/Laboratory Corporation of America, LabCorp and Color Diagnostics, LLC DBA Color Health); PubMed 36243179 (cited by Women's Health and Genetics/Laboratory Corporation of America, LabCorp); PubMed 35586626 (cited by Women's Health and Genetics/Laboratory Corporation of America, LabCorp); PubMed 32980694 (cited by All of Us Research Program, National Institutes of Health).

NM_000038.6(APC):c.5378C>G (p.Ala1793Gly)

Gene: APC (APC regulator of Wnt signaling pathway; plus strand). Cytogenetic location: 5q22.2.
Variant type: single nucleotide variant.
Coding change: c.5378C>G on transcript NM_000038.6 (MANE Select); coding-DNA position 5378, C replaced by G.
Protein change: p.Ala1793Gly; replaces alanine 1793 with glycine.
Molecular consequence: missense variant.
Genome position (GRCh38, 1-based): chr5:112,840,972, C>G. VCF-style: chr5-112840972-C-G. GRCh37 (hg19) VCF-style: chr5-112176669-C-G.
Other names: c.5378C>G, p.Ala1793Gly (NM_001127510.3, NM_001354895.2); c.5324C>G, p.Ala1775Gly (NM_001127511.3); c.5432C>G, p.Ala1811Gly (NM_001354896.2); c.5408C>G, p.Ala1803Gly (NM_001354897.2); c.5303C>G, p.Ala1768Gly (NM_001354898.2); c.5294C>G, p.Ala1765Gly (NM_001354899.2); c.5255C>G, p.Ala1752Gly (NM_001354900.2); c.5201C>G, p.Ala1734Gly (NM_001354901.2); and 5 more; short protein forms A1775G, A1793G, A1633G, A1667G, A1734G, A1510G, A1752G, A1803G.
Identifiers: ClinVar variation 233560 (VCV000233560.25), dbSNP rs764203580, ClinGen allele CA041747.